The following is an entry in ClinVar:

ClinVar aggregate classification (germline): Likely benign (0 of 4 stars; one submission).

Conditions:
VEGFC-related disorder. Also called: VEGFC-related condition.

Allele frequency attached by ClinVar (database versions not stated): ExAC 0.00004; TOPMed 0.00004; gnomAD exomes 0.00005; gnomAD 0.00007; ESP Exome Variant Server 0.00008.

Submission:

PreventionGenetics, part of Exact Sciences
Classification: Likely benign for VEGFC-related condition. Last evaluated: 2020-03-11. Review status: no assertion criteria provided. Collection method: clinical testing. Allele origin: germline.
Comment: This variant is classified as likely benign based on ACMG/AMP sequence variant interpretation guidelines (Richards et al. 2015 PMID: 25741868, with internal and published modifications).

NM_005429.5(VEGFC):c.501T>C (p.Asn167=)

Gene: VEGFC (vascular endothelial growth factor C; minus strand). Cytogenetic location: 4q34.3.
Variant type: single nucleotide variant.
Coding change: c.501T>C on transcript NM_005429.5 (MANE Select); coding-DNA position 501, T replaced by C.
Protein change: p.Asn167=; no amino-acid change (asparagine 167 retained).
Molecular consequence: synonymous variant.
Genome position (GRCh38, 1-based): chr4:176,727,829, A>G on the plus strand (T>C on the coding strand, the complement: VEGFC is on the minus strand). VCF-style: chr4-176727829-A-G. GRCh37 (hg19) VCF-style: chr4-177648983-A-G.
Identifiers: ClinVar variation 3049599 (VCV003049599.2), dbSNP rs372307330, ClinGen allele CA3145917.